The following is an entry in ClinVar:

NM_015178.3(RHOBTB2):c.1702G>A (p.Asp568Asn)

Gene: RHOBTB2 (Rho related BTB domain containing 2; plus strand). Cytogenetic location: 8p21.3.
Variant type: single nucleotide variant.
Coding change: c.1702G>A on transcript NM_015178.3 (MANE Select); coding-DNA position 1702, G replaced by A.
Protein change: p.Asp568Asn; replaces aspartic acid 568 with asparagine.
Molecular consequence: missense variant.
Genome position (GRCh38, 1-based): chr8:23,010,619, G>A. VCF-style: chr8-23010619-G-A. GRCh37 (hg19) VCF-style: chr8-22868132-G-A.
Other names: c.1768G>A, p.Asp590Asn (NM_001160036.2); c.1723G>A, p.Asp575Asn (NM_001160037.2); c.1702G>A, p.Asp568Asn (NM_001374791.1); c.1768G>A (NM_001160036.1); short protein forms D568N, D575N, D590N.
Identifiers: ClinVar variation 1549856 (VCV001549856.34), dbSNP rs201839864, ClinGen allele CA4672741.
Genomic context (GRCh38, chr8:23,010,619, plus strand): 5'-AAGAGCTGCATGCGGGCCGTGCTGGAATACCTCTACACCGGCATGTTCACCTCCAGCCCC[G>A]ACCTGGATGACATGAAGCTCATCATTCTAGCCAACCGCCTCTGCCTGCCACACCTGGTTG-3'
Protein context (NP_055993.2, residues 558-578): LYTGMFTSSP[Asp568Asn]LDDMKLIILA

ClinVar aggregate classification (germline): Benign/Likely benign. Review status: criteria provided, multiple submitters, no conflicts (2 of 4 stars). 5 submissions from 5 submitters: Benign (2); Likely benign (3). Last evaluated 2025-12-15.

Conditions:
Inborn genetic diseases. Identifiers: MedGen C0950123, MeSH D030342.

Allele frequency attached by ClinVar (database versions not stated): gnomAD 0.00004 and 0.00005; ESP Exome Variant Server 0.00008; TOPMed 0.00009; ExAC 0.00012; gnomAD exomes 0.00015.
gnomAD v4.1: 155 of 1,614,102 alleles (0.0096%); highest among the groups gnomAD compares: Middle Eastern, 0.31%; no homozygotes.

Submissions (5):

Labcorp Genetics (formerly Invitae), Labcorp
Classification: Benign. Last evaluated: 2025-12-15. Review status: criteria provided, single submitter. Criteria: Invitae Variant Classification Sherloc (09022015). Collection method: clinical testing. Allele origin: germline.

CeGaT Center for Human Genetics Tuebingen
Classification: Likely benign. Last evaluated: 2025-02-01. Review status: criteria provided, single submitter. Criteria: CeGaT Center For Human Genetics Tuebingen Variant Classification Criteria Version 2. Collection method: clinical testing. Allele origin: germline. Affected: yes. Observed: 2 variant alleles.
Comment: RHOBTB2: BS2

Blueprint Genetics
Classification: Likely benign. Last evaluated: 2024-11-01. Review status: criteria provided, single submitter. Criteria: ACMG Guidelines, 2015. Collection method: clinical testing. Allele origin: germline.

Ambry Genetics
Classification: Likely benign for Inborn genetic diseases. Last evaluated: 2022-02-02. Review status: criteria provided, single submitter. Criteria: Ambry Variant Classification Scheme 2023. Collection method: clinical testing. Allele origin: germline.

Breakthrough Genomics
Classification: Benign. Review status: criteria provided, single submitter. Criteria: ACMG Guidelines, 2015. Collection method: not provided. Allele origin: germline. Inheritance: Autosomal dominant inheritance. Affected: yes.